The following is an entry in ClinVar:

NM_001370259.2(MEN1):c.18C>T (p.Ala6=)

Gene: MEN1 (menin 1; minus strand). Cytogenetic location: 11q13.1.
Variant type: single nucleotide variant.
Coding change: c.18C>T on transcript NM_001370259.2 (MANE Select); coding-DNA position 18, C replaced by T.
Protein change: p.Ala6=; no amino-acid change (alanine 6 retained).
Molecular consequence: synonymous variant.
Genome position (GRCh38, 1-based): chr11:64,810,092, G>A on the plus strand (C>T on the coding strand, the complement: MEN1 is on the minus strand). VCF-style: chr11-64810092-G-A. GRCh37 (hg19) VCF-style: chr11-64577564-G-A.
Other names: c.18C>T, p.Ala6= (NM_000244.4, NM_001370251.2, NM_001370260.2 and 9 more transcripts); c.18C>T (NM_000244.3).
Identifiers: ClinVar variation 215963 (VCV000215963.47), dbSNP rs369348210, ClinGen allele CA060984.

ClinVar aggregate classification (germline): Benign/Likely benign. Review status: criteria provided, multiple submitters, no conflicts (2 of 4 stars). 10 submissions from 10 submitters: Benign (3); Likely benign (6). 1 of the submissions does not count toward it. Last evaluated 2026-02-02.

Conditions:
MEN1-related disorder. Also called: MEN1-related condition.
Hereditary cancer-predisposing syndrome. Also called: Tumor predisposition; Neoplastic Syndromes, Hereditary; Hereditary Cancer Syndrome; Hereditary neoplastic syndrome. Identifiers: Orphanet 140162, MedGen C0027672, MeSH D009386, MONDO:0015356.
Multiple endocrine neoplasia, type 1 (MEN1). Also called: Endocrine adenomatosis multiple; MEN 1; MEN I; WERMER SYNDROME; MEA I. Identifiers: Orphanet 652, MedGen C0025267, MeSH D018761, MONDO:0007540, OMIM 131100.

Allele frequency attached by ClinVar (database versions not stated): gnomAD exomes 0.00007; ExAC 0.00009; gnomAD 0.00036 and 0.00039.

Submissions (10):

Labcorp Genetics (formerly Invitae), Labcorp
Classification: Benign for Multiple endocrine neoplasia, type 1. Last evaluated: 2026-02-02. Review status: criteria provided, single submitter. Criteria: Invitae Variant Classification Sherloc (09022015). Collection method: clinical testing. Allele origin: germline.

Women's Health and Genetics/Laboratory Corporation of America, LabCorp
Classification: Benign. Last evaluated: 2024-12-06. Review status: criteria provided, single submitter. Criteria: LabCorp Variant Classification Summary - May 2015. Collection method: clinical testing. Allele origin: germline.

Blueprint Genetics
Classification: Likely benign. Last evaluated: 2024-11-20. Review status: criteria provided, single submitter. Criteria: ACMG Guidelines, 2015. Collection method: clinical testing. Allele origin: germline.

Myriad Genetics, Inc.
Classification: Benign for Multiple endocrine neoplasia, type 1. Last evaluated: 2024-10-31. Review status: criteria provided, single submitter. Criteria: Myriad Autosomal Dominant, Autosomal Recessive and X-Linked Classification Criteria (2023). Collection method: clinical testing. Allele origin: unknown.
Comment: This variant is considered benign. This variant is a silent/synonymous amino acid change and it is not expected to impact splicing.

CeGaT Center for Human Genetics Tuebingen
Classification: Likely benign. Last evaluated: 2023-11-01. Review status: criteria provided, single submitter. Criteria: CeGaT Center For Human Genetics Tuebingen Variant Classification Criteria Version 2. Collection method: clinical testing. Allele origin: germline. Affected: yes. Observed: 2 variant alleles.
Comment: MEN1: BP4, BP7

KCCC/NGS Laboratory, Kuwait Cancer Control Center
Classification: Likely benign for Multiple endocrine neoplasia, type 1. Last evaluated: 2023-07-07. Review status: criteria provided, single submitter. Criteria: ACMG Guidelines, 2015. Collection method: clinical testing. Allele origin: germline. Affected: yes.

Color Diagnostics, LLC DBA Color Health
Classification: Likely benign for Multiple endocrine neoplasia, type 1. Last evaluated: 2022-11-06. Review status: criteria provided, single submitter. Criteria: ACMG Guidelines, 2015. Collection method: clinical testing. Allele origin: germline.

GeneDx
Classification: Likely benign. Last evaluated: 2021-04-13. Review status: criteria provided, single submitter. Criteria: GeneDx Variant Classification Process June 2021. Collection method: clinical testing. Allele origin: germline. Affected: yes.

Ambry Genetics
Classification: Likely benign for Hereditary cancer-predisposing syndrome. Last evaluated: 2015-06-26. Review status: criteria provided, single submitter. Criteria: Ambry Variant Classification Scheme 2023. Collection method: clinical testing. Allele origin: germline.

PreventionGenetics, part of Exact Sciences
Classification: Likely benign for MEN1-related condition. Last evaluated: 2020-02-19. Review status: no assertion criteria provided. Collection method: clinical testing. Allele origin: germline. Not counted in ClinVar's aggregate classification.
Comment: This variant is classified as likely benign based on ACMG/AMP sequence variant interpretation guidelines (Richards et al. 2015 PMID: 25741868, with internal and published modifications).